The following is an entry in ClinVar:

ClinVar aggregate classification (germline): Uncertain significance (1 of 4 stars; one submission).

Submission:

Labcorp Genetics (formerly Invitae), Labcorp
Classification: Uncertain significance. Last evaluated: 2022-03-04. Review status: criteria provided, single submitter. Criteria: Invitae Variant Classification Sherloc (09022015). Collection method: clinical testing. Allele origin: germline.
Comment: In summary, the available evidence is currently insufficient to determine the role of this variant in disease. Therefore, it has been classified as a Variant of Uncertain Significance. Algorithms developed to predict the effect of missense changes on protein structure and function are either unavailable or do not agree on the potential impact of this missense change (SIFT: "Not Available"; PolyPhen-2: "Benign"; Align-GVGD: "Not Available"). This variant has not been reported in the literature in individuals affected with PIK3C2A-related conditions. This variant is present in population databases (no rsID available, gnomAD 0.2%). This sequence change replaces alanine, which is neutral and non-polar, with valine, which is neutral and non-polar, at codon 413 of the PIK3C2A protein (p.Ala413Val).

NM_002645.4(PIK3C2A):c.1238_1239inv (p.Ala413Val)

Gene: PIK3C2A (phosphatidylinositol-4-phosphate 3-kinase catalytic subunit type 2 alpha; minus strand). Cytogenetic location: 11p15.1.
Variant type: Inversion.
Coding change: c.1238_1239inv on transcript NM_002645.4 (MANE Select).
Protein change: p.Ala413Val; replaces alanine 413 with valine.
Molecular consequence: missense variant.
Genome position: GRCh38 VCF-style: chr11-17150586-TG-CA. GRCh37 (hg19) VCF-style: chr11-17172133-TG-CA.
Other names: c.1238_1239inv, p.Ala413Val (NM_001321378.2, NM_001386870.1); c.98_99inv, p.Ala33Val (NM_001321380.2); short protein forms A33V, A413V.
Identifiers: ClinVar variation 1927134 (VCV001927134.4), ClinGen allele CA2580082723.